The following is an entry in ClinVar:

NM_007294.4(BRCA1):c.5263T>C (p.Ser1755Pro)

Gene: BRCA1 (BRCA1 DNA repair associated; minus strand). Cytogenetic location: 17q21.31.
Variant type: single nucleotide variant.
Coding change: c.5263T>C on transcript NM_007294.4 (MANE Select); coding-DNA position 5263, T replaced by C.
Protein change: p.Ser1755Pro; replaces serine 1755 with proline.
Molecular consequence: missense variant. On other transcripts: non-coding transcript variant (1).
Genome position (GRCh38, 1-based): chr17:43,057,066, A>G on the plus strand (T>C on the coding strand, the complement: BRCA1 is on the minus strand). VCF-style: chr17-43057066-A-G. GRCh37 (hg19) VCF-style: chr17-41209083-A-G.
Other names: c.5050T>C, p.Ser1684Pro (NM_001407571.1, NM_001407900.1, NM_001407902.1 and 12 more transcripts); c.5329T>C, p.Ser1777Pro (NM_001407581.1, NM_001407582.1); c.5326T>C, p.Ser1776Pro (NM_001407583.1, NM_001407585.1, NM_001407587.1 and 1 more transcripts); c.5260T>C, p.Ser1754Pro (NM_001407610.1, NM_001407611.1, NM_001407612.1 and 17 more transcripts); c.5257T>C, p.Ser1753Pro (NM_001407629.1, NM_001407630.1, NM_001407631.1 and 14 more transcripts); c.5203T>C, p.Ser1735Pro (NM_001407649.1); c.5185T>C, p.Ser1729Pro (NM_001407652.1, NM_001407653.1, NM_001407654.1 and 1 more transcripts); c.5182T>C, p.Ser1728Pro (NM_001407656.1, NM_001407657.1, NM_001407658.1); and 72 more; short protein forms S1708P, S1755P, S1776P, S651P, S1458P, S1667P, S1684P, S1685P.
Identifiers: ClinVar variation 867905 (VCV000867905.3), dbSNP rs2051501553, ClinGen allele CA10591029.

Conditions:
Breast-ovarian cancer, familial, susceptibility to, 1 (BROVCA1). Also called: BRCA1 Hereditary Breast and Ovarian Cancer; OVARIAN CANCER, SUSCEPTIBILITY TO. Identifiers: Orphanet 145, MedGen C2676676, MONDO:0011450, OMIM 604370. Disease mechanism: loss of function.

Submission:

Brotman Baty Institute, University of Washington
No classification provided (evidence only). Condition: Breast-ovarian cancer, familial 1. Review status: no classification provided. Collection method: in vitro. Allele origin: not applicable. Functional consequence: functionally_normal.
ClinVar note: "not provided" was previously submitted as the classification for the variant. However, the classification appeared to be based only on an observation of functional data so it was converted to no classification on 2025-07-30.